The following is an entry in ClinVar:

ClinVar aggregate classification (germline): Pathogenic (1 of 4 stars; one submission).

Conditions:
VPS13A-related neurodegenerative disease. Also called: ACANTHOCYTOSIS WITH NEUROLOGIC DISORDER; LEVINE-CRITCHLEY SYNDROME; Choreoacanthocytosis; Chorea-acanthocytosis; Choreaacanthocytosis; VPS13A Disease. Identifiers: Orphanet 2388, MedGen C0393576, MONDO:0008695, OMIM 200150.

Submission:

Myriad Genetics, Inc.
Classification: Pathogenic for VPS13A-related neurodegenerative disease. Last evaluated: 2023-09-07. Review status: criteria provided, single submitter. Criteria: Myriad Autosomal Dominant, Autosomal Recessive and X-Linked Classification Criteria (2023). Collection method: clinical testing. Allele origin: unknown.
Comment: NM_033305.2(VPS13A):c.808_809ins7(F270Sfs*4) is expected to be pathogenic in the context of VPS13A disease. This variant is predicted to lead to an abnormal or absent protein product due to the creation of a premature termination codon in VPS13A, a gene where loss-of-function variants are known to be pathogenic. Please note: this variant was assessed in the context of healthy population screening.

NM_033305.3(VPS13A):c.808_809insCACTTTC (p.Phe270fs)

Gene: VPS13A (vacuolar protein sorting 13 homolog A; plus strand). Cytogenetic location: 9q21.2.
Variant type: Insertion.
Coding change: c.808_809insCACTTTC on transcript NM_033305.3 (MANE Select); coding-DNA positions 808 to 809, CACTTTC inserted.
Protein change: p.Phe270fs; shifts the reading frame from phenylalanine 270.
Molecular consequence: frameshift variant.
Genome position: GRCh38 VCF-style: chr9-77220007-T-TCACTTTC. GRCh37 (hg19) VCF-style: chr9-79834923-T-TCACTTTC.
Other names: c.808_809insCACTTTC, p.Phe270fs (NM_001018037.2, NM_001018038.3, NM_015186.4); short protein forms F270fs.
Identifiers: ClinVar variation 5011592 (VCV005011592.1).